The following is an entry in ClinVar:

NM_003673.4(TCAP):c.301G>A (p.Ala101Thr)

Gene: TCAP (titin-cap; plus strand). Cytogenetic location: 17q12.
Variant type: single nucleotide variant.
Coding change: c.301G>A on transcript NM_003673.4 (MANE Select); coding-DNA position 301, G replaced by A.
Protein change: p.Ala101Thr; replaces alanine 101 with threonine.
Molecular consequence: missense variant.
Genome position (GRCh38, 1-based): chr17:39,665,906, G>A. VCF-style: chr17-39665906-G-A. GRCh37 (hg19) VCF-style: chr17-37822159-G-A.
Other names: short protein forms A101T.
Identifiers: ClinVar variation 165335 (VCV000165335.15), dbSNP rs727503455, ClinGen allele CA178078.

ClinVar aggregate classification (germline): Conflicting classifications of pathogenicity. Review status: criteria provided, conflicting classifications (1 of 4 stars). 4 submissions from 4 submitters: Uncertain significance (3); Likely benign (1). Last evaluated 2024-11-07.

Conditions:
Primary familial hypertrophic cardiomyopathy (HCM). Identifiers: Orphanet 99739, MedGen C0949658, MeSH D024741, MONDO:0024573. Inheritance: Various modes of inheritance.
Hypertrophic cardiomyopathy 25 (CMH25). Also called: CARDIOMYOPATHY, FAMILIAL HYPERTROPHIC, 25. Identifiers: MedGen C4225408, MONDO:0011843, OMIM 607487.

Allele frequency attached by ClinVar (database versions not stated): ExAC 0.00001; gnomAD exomes 0.00001; TOPMed 0.00001; gnomAD 0.00002.

Submissions (4):

Labcorp Genetics (formerly Invitae), Labcorp
Classification: Uncertain significance for Hypertrophic cardiomyopathy 25; Primary familial hypertrophic cardiomyopathy. Last evaluated: 2024-11-07. Review status: criteria provided, single submitter. Criteria: Invitae Variant Classification Sherloc (09022015). Collection method: clinical testing. Allele origin: germline.
Comment: This sequence change replaces alanine, which is neutral and non-polar, with threonine, which is neutral and polar, at codon 101 of the TCAP protein (p.Ala101Thr). The frequency data for this variant in the population databases is considered unreliable, as metrics indicate poor data quality at this position in the gnomAD database. This variant has not been reported in the literature in individuals affected with TCAP-related conditions. ClinVar contains an entry for this variant (Variation ID: 165335). An algorithm developed to predict the effect of missense changes on protein structure and function outputs the following: PolyPhen-2: "Benign". The threonine amino acid residue is found in multiple mammalian species, which suggests that this missense change does not adversely affect protein function. In summary, the available evidence is currently insufficient to determine the role of this variant in disease. Therefore, it has been classified as a Variant of Uncertain Significance.

GeneDx
Classification: Uncertain significance. Last evaluated: 2022-12-09. Review status: criteria provided, single submitter. Criteria: GeneDx Variant Classification Process June 2021. Collection method: clinical testing. Allele origin: germline. Affected: yes.
Comment: Has not been previously published as pathogenic or benign in association with a TCAP-related disorder to our knowledge; Not observed at a significant frequency in large population cohorts (gnomAD); In silico analysis supports that this missense variant does not alter protein structure/function; This variant is associated with the following publications: (PMID: 16490376, Anand2019[Computational])

Blueprint Genetics
Classification: Likely benign. Last evaluated: 2018-03-01. Review status: criteria provided, single submitter. Criteria: ACMG Guidelines, 2015. Collection method: clinical testing. Allele origin: germline.

Laboratory for Molecular Medicine, Mass General Brigham Personalized Medicine
Classification: Uncertain significance. Last evaluated: 2013-07-25. Review status: criteria provided, single submitter. Criteria: LMM Criteria. Collection method: clinical testing. Allele origin: germline. Observed: 1 variant allele.
Comment: Data from large population st udies is insufficient to assess the frequency of this variant. Computational an alyses (biochemical amino acid properties, conservation, AlignGVGD, PolyPhen2, a nd SIFT) do not provide strong support for or against an impact to the protein. In summary, additional information is needed to fully assess the clinical signi ficance of the Ala101Thr variant.